The following is an entry in ClinVar:

NM_058216.3(RAD51C):c.981C>G (p.Tyr327Ter)

Gene: RAD51C (RAD51 paralog C; plus strand). Cytogenetic location: 17q22.
Variant type: single nucleotide variant.
Coding change: c.981C>G on transcript NM_058216.3 (MANE Select); coding-DNA position 981, C replaced by G.
Protein change: p.Tyr327Ter; replaces tyrosine 327 with a stop codon.
Molecular consequence: nonsense. On other transcripts: non-coding transcript variant (1).
Genome position (GRCh38, 1-based): chr17:58,732,499, C>G. VCF-style: chr17-58732499-C-G. GRCh37 (hg19) VCF-style: chr17-56809860-C-G.
Other names: c.*409C>G (NM_058217.1); short protein forms Y327*.
Identifiers: ClinVar variation 1768305 (VCV001768305.7), dbSNP rs2144044910, ClinGen allele CA400364904.

ClinVar aggregate classification (germline): Pathogenic/Likely pathogenic. Review status: criteria provided, multiple submitters, no conflicts (2 of 4 stars). 2 submissions from 2 submitters: Pathogenic (1); Likely pathogenic (1). Last evaluated 2022-08-31.

Conditions:
Hereditary cancer-predisposing syndrome. Also called: Tumor predisposition; Neoplastic Syndromes, Hereditary; Hereditary Cancer Syndrome; Hereditary neoplastic syndrome. Identifiers: Orphanet 140162, MedGen C0027672, MeSH D009386, MONDO:0015356.
Fanconi anemia complementation group O. Also called: RAD51C-Related Fanconi Anemia. Identifiers: Orphanet 84, MedGen C3150653, MONDO:0013248, OMIM 613390.

Submissions (2):

Ambry Genetics
Classification: Likely pathogenic for Hereditary cancer-predisposing syndrome. Last evaluated: 2022-08-31. Review status: criteria provided, single submitter. Criteria: Ambry Variant Classification Scheme 2023. Collection method: clinical testing. Allele origin: germline.
Comment: The p.Y327* variant (also known as c.981C>G), located in coding exon 8 of the RAD51C gene, results from a C to G substitution at nucleotide position 981. This changes the amino acid from a tyrosine to a stop codon within coding exon 8. This alteration occurs at the 3' terminus of theRAD51C gene, is not expected to trigger nonsense-mediated mRNA decay, and only impacts the last 50 amino acids of the protein. However, premature stop codons are typically deleterious in nature and the impacted region is critical for protein function (Ambry internal data). This variant is considered to be rare based on population cohorts in the Genome Aggregation Database (gnomAD). Based on the majority of available evidence to date, this variant is likely to be pathogenic.

Labcorp Genetics (formerly Invitae), Labcorp
Classification: Pathogenic for Fanconi anemia complementation group O. Last evaluated: 2022-03-10. Review status: criteria provided, single submitter. Criteria: Invitae Variant Classification Sherloc (09022015). Collection method: clinical testing. Allele origin: germline.
Comment: This sequence change creates a premature translational stop signal (p.Tyr327*) in the RAD51C gene. It is expected to result in an absent or disrupted protein product. Loss-of-function variants in RAD51C are known to be pathogenic (PMID: 20400964, 21990120, 24800917). This variant is not present in population databases (gnomAD no frequency). This variant has not been reported in the literature in individuals affected with RAD51C-related conditions. For these reasons, this variant has been classified as Pathogenic.

Literature cited by the submitters: PubMed 20400964 (cited by Labcorp Genetics (formerly Invitae), Labcorp); PubMed 21990120 (cited by Labcorp Genetics (formerly Invitae), Labcorp); PubMed 24800917 (cited by Labcorp Genetics (formerly Invitae), Labcorp).